The following is an entry in ClinVar:

ClinVar aggregate classification (germline): Uncertain significance (1 of 4 stars; one submission).

Conditions:
Joubert syndrome. Also called: CEREBELLOPARENCHYMAL DISORDER IV; JOUBERT-BOLTSHAUSER SYNDROME; Familial aplasia of the vermis. Identifiers: Orphanet 475, MedGen C5979921, MONDO:0018772.
Meckel-Gruber syndrome. Also called: DYSENCEPHALIA SPLANCHNOCYSTICA; GRUBER SYNDROME; Dysencephalia splachnocystica. Identifiers: Orphanet 564, MedGen C0265215, MONDO:0018921.

Allele frequency attached by ClinVar (database versions not stated): gnomAD 0.00001; TOPMed 0.00001.
gnomAD v4.1: 1 of 1,613,988 alleles (0.000062%); highest among the groups gnomAD compares: Admixed American, 0.0017%; no homozygotes.

Submission:

Labcorp Genetics (formerly Invitae), Labcorp
Classification: Uncertain significance for Joubert syndrome; Meckel-Gruber syndrome. Last evaluated: 2025-10-13. Review status: criteria provided, single submitter. Criteria: Invitae Variant Classification Sherloc (09022015). Collection method: clinical testing. Allele origin: germline.
Comment: This sequence change replaces leucine, which is neutral and non-polar, with phenylalanine, which is neutral and non-polar, at codon 459 of the TCTN2 protein (p.Leu459Phe). This variant is not present in population databases (gnomAD no frequency). This variant has not been reported in the literature in individuals affected with TCTN2-related conditions. ClinVar contains an entry for this variant (Variation ID: 2048480). Invitae Evidence Modeling of protein sequence and biophysical properties (such as structural, functional, and spatial information, amino acid conservation, physicochemical variation, residue mobility, and thermodynamic stability) indicates that this missense variant is expected to disrupt TCTN2 protein function with a positive predictive value of 80%. In summary, the available evidence is currently insufficient to determine the role of this variant in disease. Therefore, it has been classified as a Variant of Uncertain Significance.

NM_024809.5(TCTN2):c.1377A>C (p.Leu459Phe)

Gene: TCTN2 (tectonic family member 2; plus strand). Cytogenetic location: 12q24.31.
Variant type: single nucleotide variant.
Coding change: c.1377A>C on transcript NM_024809.5 (MANE Select); coding-DNA position 1377, A replaced by C.
Protein change: p.Leu459Phe; replaces leucine 459 with phenylalanine.
Molecular consequence: missense variant.
Genome position (GRCh38, 1-based): chr12:123,696,479, A>C. VCF-style: chr12-123696479-A-C. GRCh37 (hg19) VCF-style: chr12-124181026-A-C.
Other names: c.1374A>C, p.Leu458Phe (NM_001143850.3); c.1242A>C, p.Leu414Phe (NM_001410989.1); short protein forms L414F, L458F, L459F.
Identifiers: ClinVar variation 2048480 (VCV002048480.4), dbSNP rs1324909801, ClinGen allele CA387144538.